The following is an entry in ClinVar:

NM_032447.5(FBN3):c.7337-10C>T

Gene: FBN3 (fibrillin 3; minus strand). Cytogenetic location: 19p13.2.
Variant type: single nucleotide variant.
Coding change: c.7337-10C>T on transcript NM_032447.5 (MANE Select); 10 bases into the intron before coding-DNA position 7337, C replaced by T.
Molecular consequence: intron variant.
Genome position (GRCh38, 1-based): chr19:8,081,129, G>A on the plus strand (C>T on the coding strand, the complement: FBN3 is on the minus strand). VCF-style: chr19-8081129-G-A. GRCh37 (hg19) VCF-style: chr19-8146013-G-A.
Other names: c.7337-10C>T (NM_001321431.1, NM_001321431.2).
Identifiers: ClinVar variation 1607296 (VCV001607296.11), dbSNP rs73005538, ClinGen allele CA9150916.
Genomic context (GRCh38, chr19:8,081,129, plus strand): 5'-TGACACAGAGGAACTGACAGTTGTGCTGCCGGGAGGTGCATTCGTCCAGGTCTGCAGCAC[G>A]GATGGTCCAGCAGGCTCAGGGCAGGGCCCAGTGGGGGATTAGGGGCTTCCCAGGGGCTGC-3'

ClinVar aggregate classification (germline): Benign. Review status: criteria provided, multiple submitters, no conflicts (2 of 4 stars). 3 submissions from 3 submitters: Benign (2). 1 of the submissions does not count toward it. Last evaluated 2026-02-01.

Conditions:
FBN3-related disorder. Also called: FBN3-related condition.

Allele frequency attached by ClinVar (database versions not stated): 1000 Genomes Project 30x 0.01187; 1000 Genomes Project 0.01258; TOPMed 0.01459; gnomAD 0.01488 and 0.01550; ESP Exome Variant Server 0.01545; gnomAD exomes 0.02289; ExAC 0.02353.
gnomAD v4.1: 29,868 of 1,608,636 alleles (1.9%); highest among the groups gnomAD compares: South Asian, 3.5%; 386 homozygotes.

Submissions (3):

Labcorp Genetics (formerly Invitae), Labcorp
Classification: Benign. Last evaluated: 2026-02-01. Review status: criteria provided, single submitter. Criteria: Invitae Variant Classification Sherloc (09022015). Collection method: clinical testing. Allele origin: germline.

Breakthrough Genomics
Classification: Benign. Review status: criteria provided, single submitter. Criteria: ACMG Guidelines, 2015. Collection method: not provided. Allele origin: germline. Inheritance: Unknown mechanism. Affected: yes.

PreventionGenetics, part of Exact Sciences
Classification: Benign for FBN3-related condition. Last evaluated: 2019-02-18. Review status: no assertion criteria provided. Collection method: clinical testing. Allele origin: germline. Not counted in ClinVar's aggregate classification.
Comment: This variant is classified as benign based on ACMG/AMP sequence variant interpretation guidelines (Richards et al. 2015 PMID: 25741868, with internal and published modifications).